The following is an entry in ClinVar:

NM_006593.4(TBR1):c.929A>C (p.Lys310Thr)

Gene: TBR1 (T-box brain transcription factor 1; plus strand). Cytogenetic location: 2q24.2.
Variant type: single nucleotide variant.
Coding change: c.929A>C on transcript NM_006593.4 (MANE Select); coding-DNA position 929, A replaced by C.
Protein change: p.Lys310Thr; replaces lysine 310 with threonine.
Molecular consequence: missense variant.
Genome position (GRCh38, 1-based): chr2:161,418,282, A>C. VCF-style: chr2-161418282-A-C. GRCh37 (hg19) VCF-style: chr2-162274793-A-C.
Other names: short protein forms K310T.
Identifiers: ClinVar variation 2414416 (VCV002414416.6), dbSNP rs2468092720, ClinGen allele CA349212545.

ClinVar aggregate classification (germline): Uncertain significance (1 of 4 stars; one submission).

Submission:

Labcorp Genetics (formerly Invitae), Labcorp
Classification: Uncertain significance. Last evaluated: 2022-09-22. Review status: criteria provided, single submitter. Criteria: Invitae Variant Classification Sherloc (09022015). Collection method: clinical testing. Allele origin: germline.
Comment: This sequence change replaces lysine, which is basic and polar, with threonine, which is neutral and polar, at codon 310 of the TBR1 protein (p.Lys310Thr). This variant is not present in population databases (gnomAD no frequency). This variant has not been reported in the literature in individuals affected with TBR1-related conditions. Algorithms developed to predict the effect of missense changes on protein structure and function are either unavailable or do not agree on the potential impact of this missense change (SIFT: "Not Available"; PolyPhen-2: "Probably Damaging"; Align-GVGD: "Not Available"). In summary, the available evidence is currently insufficient to determine the role of this variant in disease. Therefore, it has been classified as a Variant of Uncertain Significance.